The following is an entry in ClinVar:

NM_020911.2(PLXNA4):c.4012C>T (p.Leu1338Phe)

Gene: PLXNA4 (plexin A4; minus strand). Cytogenetic location: 7q32.3.
Variant type: single nucleotide variant.
Coding change: c.4012C>T on transcript NM_020911.2 (MANE Select); coding-DNA position 4012, C replaced by T.
Protein change: p.Leu1338Phe; replaces leucine 1338 with phenylalanine.
Molecular consequence: missense variant.
Genome position (GRCh38, 1-based): chr7:132,174,783, G>A on the plus strand (C>T on the coding strand, the complement: PLXNA4 is on the minus strand). VCF-style: chr7-132174783-G-A. GRCh37 (hg19) VCF-style: chr7-131859542-G-A.
Other names: c.4012C>T, p.Leu1338Phe (NM_001393897.1); short protein forms L1338F.
Identifiers: ClinVar variation 3344565 (VCV003344565.2).
Genomic context (GRCh38, chr7:132,174,783, plus strand): 5'-AAGATTGCCAACACGCTCCCCTGCTCTAATGCCAGGATGGAGCACTGCTTCTCACCTCAA[G>A]GTCCCGGAGGACAGGGTGGTCTTCAATTCCTGGGAACAGCACCCGCATGGTGTAAGTTCT-3'
Protein context (NP_065962.1, residues 1328-1348): GIEDHPVLRD[Leu1338Phe]EVPGYRQERV

ClinVar aggregate classification (germline): Uncertain significance (1 of 4 stars; one submission).

Conditions:
PLXNA4-related disorder. Also called: PLXNA4-related condition.

gnomAD v4.1: 15 of 1,613,822 alleles (0.00093%); highest among the groups gnomAD compares: East Asian, 0.027%; no homozygotes.

Submission:

PreventionGenetics, part of Exact Sciences
Classification: Uncertain significance for PLXNA4-related condition. Last evaluated: 2025-12-02. Review status: criteria provided, single submitter. Criteria: ACMG Guidelines, 2015. Collection method: clinical testing. Allele origin: germline.
Comment: The PLXNA4 c.4012C>T variant is predicted to result in the amino acid substitution p.Leu1338Phe. To our knowledge, this variant has not been reported in the literature. This variant is reported in 0.033% of alleles in individuals of East Asian descent in gnomAD. At this time, the clinical significance of this variant is uncertain due to the absence of conclusive functional and genetic evidence.